The following is an entry in ClinVar:

NM_000183.3(HADHB):c.493G>A (p.Val165Ile)

Gene: HADHB (hydroxyacyl-CoA dehydrogenase trifunctional multienzyme complex subunit beta; plus strand). Cytogenetic location: 2p23.3.
Variant type: single nucleotide variant.
Coding change: c.493G>A on transcript NM_000183.3 (MANE Select); coding-DNA position 493, G replaced by A.
Protein change: p.Val165Ile; replaces valine 165 with isoleucine.
Molecular consequence: missense variant.
Genome position (GRCh38, 1-based): chr2:26,278,664, G>A. VCF-style: chr2-26278664-G-A. GRCh37 (hg19) VCF-style: chr2-26501532-G-A.
Other names: c.448G>A, p.Val150Ile (NM_001281512.2); c.427G>A, p.Val143Ile (NM_001281513.2); short protein forms V143I, V150I, V165I.
Identifiers: ClinVar variation 1031453 (VCV001031453.2), dbSNP rs766573917, ClinGen allele CA1560247.

ClinVar aggregate classification (germline): Uncertain significance. Review status: criteria provided, single submitter (1 of 4 stars). 2 submissions from 1 submitter: Uncertain significance (2). Last evaluated 2023-11-16.

Conditions:
Mitochondrial trifunctional protein deficiency. Identifiers: Orphanet 746, MedGen C1969443, MONDO:0012172.
Mitochondrial trifunctional protein deficiency 2 (MTPD2). Identifiers: MedGen C5830374, MONDO:0958185, OMIM 620300.

Allele frequency attached by ClinVar (database versions not stated): ExAC 0.00001; gnomAD exomes 0.00001.
gnomAD v4.1: 9 of 1,614,156 alleles (0.00056%); highest among the groups gnomAD compares: South Asian, 0.0099%; 1 homozygote.

Submissions (2):

Baylor Genetics
Classification: Uncertain significance for Mitochondrial trifunctional protein deficiency 2. Last evaluated: 2023-11-16. Review status: criteria provided, single submitter. Criteria: ACMG Guidelines, 2015. Collection method: clinical testing. Allele origin: unknown.

Baylor Genetics
Classification: Uncertain significance for Mitochondrial trifunctional protein deficiency 1. Last evaluated: 2018-12-01. Review status: criteria provided, single submitter. Criteria: ACMG Guidelines, 2015. Collection method: clinical testing. Allele origin: unknown. Affected: yes.
Comment: This variant was determined to be of uncertain significance according to ACMG Guidelines, 2015 [PMID:25741868].